The following is an entry in ClinVar:

NM_020975.6(RET):c.1994A>G (p.His665Arg)

Gene: RET (ret proto-oncogene; plus strand). Cytogenetic location: 10q11.21.
Variant type: single nucleotide variant.
Coding change: c.1994A>G on transcript NM_020975.6 (MANE Select); coding-DNA position 1994, A replaced by G.
Protein change: p.His665Arg; replaces histidine 665 with arginine.
Molecular consequence: missense variant.
Genome position (GRCh38, 1-based): chr10:43,114,594, A>G. VCF-style: chr10-43114594-A-G. GRCh37 (hg19) VCF-style: chr10-43610042-A-G.
Other names: c.1994A>G, p.His665Arg (NM_000323.2, NM_001406743.1, NM_001406744.1 and 4 more transcripts); c.1232A>G, p.His411Arg (NM_001355216.2); c.1865A>G, p.His622Arg (NM_001406761.1, NM_001406762.1, NM_001406764.1); c.1706A>G, p.His569Arg (NM_001406766.1, NM_001406767.1, NM_001406770.1); c.1598A>G, p.His533Arg (NM_001406769.1, NM_001406772.1); c.1556A>G, p.His519Arg (NM_001406771.1, NM_001406773.1); c.1469A>G, p.His490Arg (NM_001406774.1); c.1268A>G, p.His423Arg (NM_001406775.1, NM_001406776.1, NM_001406777.1 and 1 more transcripts); and 7 more; short protein forms H411R, H665R, H335R, H423R, H519R, H182R, H270R, H366R.
Identifiers: ClinVar variation 1041010 (VCV001041010.12), dbSNP rs1838024434, ClinGen allele CA376553100.

ClinVar aggregate classification (germline): Uncertain significance. Review status: criteria provided, multiple submitters, no conflicts (2 of 4 stars). 2 submissions from 2 submitters: Uncertain significance (2). Last evaluated 2025-07-15.

Conditions:
Multiple endocrine neoplasia, type 2 (MEN2). Identifiers: Orphanet 653, MedGen C4048306, MONDO:0019003. Disease mechanism: gain of function.
Hereditary cancer-predisposing syndrome. Also called: Hereditary Cancer Syndrome; Tumor predisposition; Hereditary neoplastic syndrome; Neoplastic Syndromes, Hereditary. Identifiers: Orphanet 140162, MedGen C0027672, MeSH D009386, MONDO:0015356.

Allele frequency attached by ClinVar (database versions not stated): TOPMed below 0.00001.

Submissions (2):

Labcorp Genetics (formerly Invitae), Labcorp
Classification: Uncertain significance for Multiple endocrine neoplasia, type 2. Last evaluated: 2025-07-15. Review status: criteria provided, single submitter. Criteria: Invitae Variant Classification Sherloc (09022015). Collection method: clinical testing. Allele origin: germline.
Comment: This sequence change replaces histidine, which is basic and polar, with arginine, which is basic and polar, at codon 665 of the RET protein (p.His665Arg). This variant is not present in population databases (gnomAD no frequency). This variant has not been reported in the literature in individuals affected with RET-related conditions. ClinVar contains an entry for this variant (Variation ID: 1041010). An algorithm developed to predict the effect of missense changes on protein structure and function (PolyPhen-2) suggests that this variant is likely to be tolerated. In summary, the available evidence is currently insufficient to determine the role of this variant in disease. Therefore, it has been classified as a Variant of Uncertain Significance.

Ambry Genetics
Classification: Uncertain significance for Hereditary cancer-predisposing syndrome. Last evaluated: 2023-10-02. Review status: criteria provided, single submitter. Criteria: Ambry Variant Classification Scheme 2023. Collection method: clinical testing. Allele origin: germline.
Comment: The p.H665R variant (also known as c.1994A>G), located in coding exon 11 of the RET gene, results from an A to G substitution at nucleotide position 1994. The histidine at codon 665 is replaced by arginine, an amino acid with highly similar properties. This amino acid position is not well conserved in available vertebrate species. In addition, this alteration is predicted to be tolerated by in silico analysis. Since supporting evidence is limited at this time, the clinical significance of this alteration remains unclear.